The following is an entry in ClinVar:

ClinVar aggregate classification (germline): Pathogenic (0 of 4 stars; one submission).

Conditions:
Alkaptonuria (AKU). Also called: Alkaptonuric ochronosis; Homogentisic acidura; HOMOGENTISIC ACID OXIDASE DEFICIENCY; Alcaptonuria. Identifiers: Orphanet 56, MedGen C0002066, MONDO:0008753, OMIM 203500.

gnomAD v4.1: 2 of 1,562,678 alleles (0.00013%); highest among the groups gnomAD compares: South Asian, 0.0022%; no homozygotes.

Submission:

Department Of Human Genetics, Institute Of Clinical And Translational Research, Biomedical Research Center, Slovak Academy Of Sciences
Classification: Pathogenic for Alkaptonuria. Review status: no assertion criteria provided. Collection method: research. Allele origin: germline. Inheritance: Autosomal recessive inheritance. Affected: yes. Observed: 2 variant alleles.
Comment: The variant was originally described in PMID:30737480. It has been submitted to the HGD gene mutation database (DB-ID: AKU_00202).

Literature cited by the submitters: PubMed 30737480.

NM_000187.4(HGD):c.180G>A (p.Trp60Ter)

Gene: HGD (homogentisate 1,2-dioxygenase; minus strand). Cytogenetic location: 3q13.33.
Variant type: single nucleotide variant.
Coding change: c.180G>A on transcript NM_000187.4 (MANE Select); coding-DNA position 180, G replaced by A.
Protein change: p.Trp60Ter; replaces tryptophan 60 with a stop codon.
Molecular consequence: nonsense.
Genome position (GRCh38, 1-based): chr3:120,670,529, C>T on the plus strand (G>A on the coding strand, the complement: HGD is on the minus strand). VCF-style: chr3-120670529-C-T. GRCh37 (hg19) VCF-style: chr3-120389376-C-T.
Other names: short protein forms W60*.
Identifiers: ClinVar variation 2584707 (VCV002584707.2), dbSNP rs2472786583, ClinGen allele CA354081601.
Genomic context (GRCh38, chr3:120,670,529, plus strand): 5'-TTGGCCTTCGTCAATGGATTCAAAGGGCTTGTGAGAAACTGAAGGTAGAATCCTATACAG[C>T]CAGCTAGAGGGAAAAACATACAAGATATACAAGCCTTAGAGTAATGTTCTGAGTGATACA-3'